The following is an entry in ClinVar:

ClinVar aggregate classification (germline): Pathogenic (1 of 4 stars; one submission).

Submission:

Labcorp Genetics (formerly Invitae), Labcorp
Classification: Pathogenic. Last evaluated: 2023-06-05. Review status: criteria provided, single submitter. Criteria: Invitae Variant Classification Sherloc (09022015). Collection method: clinical testing. Allele origin: germline.
Comment: For these reasons, this variant has been classified as Pathogenic. This variant has not been reported in the literature in individuals affected with VPS13A-related conditions. This variant is not present in population databases (gnomAD no frequency). This sequence change creates a premature translational stop signal (p.Asp1402Alafs*23) in the VPS13A gene. It is expected to result in an absent or disrupted protein product. Loss-of-function variants in VPS13A are known to be pathogenic (PMID: 12404112, 21598378).

Literature cited by the submitters: PubMed 12404112; PubMed 21598378.

NM_033305.3(VPS13A):c.4205_4208del (p.Asp1402fs)

Gene: VPS13A (vacuolar protein sorting 13 homolog A; plus strand). Cytogenetic location: 9q21.2.
Variant type: Deletion.
Coding change: c.4205_4208del on transcript NM_033305.3 (MANE Select); coding-DNA positions 4205 to 4208, 4 bases deleted (ATCT; older notation c.4205_4208delATCT).
Protein change: p.Asp1402fs; shifts the reading frame from aspartic acid 1402.
Molecular consequence: frameshift variant.
Genome position (GRCh38, 1-based): chr9:77,314,082-77,314,085, ATCT deleted. VCF-style (leftmost placement, unchanged base first): chr9-77314081-GATCT-G. GRCh37 (hg19) VCF-style: chr9-79928997-GATCT-G.
Other names: c.4088_4091del, p.Asp1363fs (NM_001018037.2); c.4205_4208del, p.Asp1402fs (NM_001018038.3, NM_015186.4); short protein forms D1363fs, D1402fs.
Identifiers: ClinVar variation 2692722 (VCV002692722.3), dbSNP rs2537977573, ClinGen allele CA2697557780.